The following is an entry in ClinVar:

NM_001098.3(ACO2):c.793G>C (p.Val265Leu)

Gene: ACO2 (aconitase 2; plus strand). Cytogenetic location: 22q13.2.
Variant type: single nucleotide variant.
Coding change: c.793G>C on transcript NM_001098.3 (MANE Select); coding-DNA position 793, G replaced by C.
Protein change: p.Val265Leu; replaces valine 265 with leucine.
Molecular consequence: missense variant.
Genome position (GRCh38, 1-based): chr22:41,515,875, G>C. VCF-style: chr22-41515875-G-C. GRCh37 (hg19) VCF-style: chr22-41911879-G-C.
Other names: short protein forms V265L.
Identifiers: ClinVar variation 4076928 (VCV004076928.2).

ClinVar aggregate classification (germline): Uncertain significance. Review status: criteria provided, multiple submitters, no conflicts (2 of 4 stars). 2 submissions from 2 submitters: Uncertain significance (2). Last evaluated 2025-11-13.

Conditions:
Inborn genetic diseases. Identifiers: MedGen C0950123, MeSH D030342.

Submissions (2):

Ambry Genetics
Classification: Uncertain significance for Inborn genetic diseases. Last evaluated: 2025-11-13. Review status: criteria provided, single submitter. Criteria: Ambry Variant Classification Scheme 2023. Collection method: clinical testing. Allele origin: germline.

GeneDx
Classification: Uncertain significance. Last evaluated: 2025-02-25. Review status: criteria provided, single submitter. Criteria: GeneDx Variant Classification Process June 2021. Collection method: clinical testing. Allele origin: germline. Affected: yes.
Comment: Not observed at significant frequency in large population cohorts (gnomAD); In silico analysis supports that this missense variant has a deleterious effect on protein structure/function; Has not been previously published as pathogenic or benign to our knowledge